The following is an entry in ClinVar:

ClinVar aggregate classification (germline): Likely pathogenic (1 of 4 stars; one submission).

Conditions:
VPS13B-related disorder. Also called: VPS13B-related condition.

gnomAD v4.1: 2 of 1,613,930 alleles (0.00012%); highest among the groups gnomAD compares: Non-Finnish European, 0.00017%; no homozygotes.

Submission:

PreventionGenetics, part of Exact Sciences
Classification: Likely pathogenic for VPS13B-related condition. Last evaluated: 2026-07-18. Review status: criteria provided, single submitter. Criteria: ACMG Guidelines, 2015. Collection method: clinical testing. Allele origin: germline.
Comment: The VPS13B c.7977G>A variant is predicted to result in premature protein termination (p.Trp2659*). To our knowledge, this variant has not been reported in the literature or in a large population database (gnomAD), indicating this variant is rare. Nonsense variants in VPS13B are expected to be pathogenic. This variant is interpreted as likely pathogenic.

NM_152564.5(VPS13B):c.7977G>A (p.Trp2659Ter)

Gene: VPS13B (vacuolar protein sorting 13 homolog B; plus strand). Cytogenetic location: 8q22.2.
Variant type: single nucleotide variant.
Coding change: c.7977G>A on transcript NM_152564.5 (MANE Select); coding-DNA position 7977, G replaced by A.
Protein change: p.Trp2659Ter; replaces tryptophan 2659 with a stop codon.
Molecular consequence: nonsense.
Genome position (GRCh38, 1-based): chr8:99,809,410, G>A. VCF-style: chr8-99809410-G-A. GRCh37 (hg19) VCF-style: chr8-100821638-G-A.
Other names: c.8052G>A, p.Trp2684Ter (NM_017890.5); short protein forms W2684*, W2659*.
Identifiers: ClinVar variation 4993626 (VCV004993626.1).